The following is an entry in ClinVar:

NM_020843.4(SCAPER):c.1036-9T>A

Gene: SCAPER (S-phase cyclin A associated protein in the ER; minus strand). Cytogenetic location: 15q24.3.
Variant type: single nucleotide variant.
Coding change: c.1036-9T>A on transcript NM_020843.4 (MANE Select); 9 bases into the intron before coding-DNA position 1036, T replaced by A.
Molecular consequence: intron variant.
Genome position (GRCh38, 1-based): chr15:76,771,963, A>T on the plus strand (T>A on the coding strand, the complement: SCAPER is on the minus strand). VCF-style: chr15-76771963-A-T. GRCh37 (hg19) VCF-style: chr15-77064304-A-T.
Other names: c.634-9T>A (NM_001353011.2, NM_001353012.2, NM_001353010.2); c.1036-9T>A (NM_001353009.2); c.298-9T>A (NM_001145923.2).
Identifiers: ClinVar variation 3351347 (VCV003351347.2).

ClinVar aggregate classification (germline): Uncertain significance. Review status: criteria provided, single submitter (1 of 4 stars). 2 submissions from 2 submitters: Uncertain significance (1). 1 of the submissions does not count toward it. Last evaluated 2022-02-24.

Conditions:
SCAPER-related disorder. Also called: SCAPER-related condition.

gnomAD v4.1: 32 of 1,589,770 alleles (0.002%); highest among the groups gnomAD compares: Admixed American, 0.054%; no homozygotes.

Submissions (2):

Blueprint Genetics
Classification: Uncertain significance. Last evaluated: 2022-02-24. Review status: criteria provided, single submitter. Criteria: ACMG Guidelines, 2015. Collection method: clinical testing. Allele origin: germline.

PreventionGenetics, part of Exact Sciences
Classification: Likely benign for SCAPER-related condition. Last evaluated: 2024-08-06. Review status: no assertion criteria provided. Collection method: clinical testing. Allele origin: germline. Not counted in ClinVar's aggregate classification.
Comment: This variant is classified as likely benign based on ACMG/AMP sequence variant interpretation guidelines (Richards et al. 2015 PMID: 25741868, with internal and published modifications).